The following is an entry in ClinVar:

NM_138395.4(MARS2):c.947A>T (p.His316Leu)

Gene: MARS2 (methionyl-tRNA synthetase 2, mitochondrial; plus strand). Cytogenetic location: 2q33.1.
Variant type: single nucleotide variant.
Coding change: c.947A>T on transcript NM_138395.4 (MANE Select); coding-DNA position 947, A replaced by T.
Protein change: p.His316Leu; replaces histidine 316 with leucine.
Molecular consequence: missense variant.
Genome position (GRCh38, 1-based): chr2:197,706,352, A>T. VCF-style: chr2-197706352-A-T. GRCh37 (hg19) VCF-style: chr2-198571076-A-T.
Other names: short protein forms H316L.
Identifiers: ClinVar variation 2815928 (VCV002815928.3), dbSNP rs2468941645, ClinGen allele CA350213440.

ClinVar aggregate classification (germline): Uncertain significance (1 of 4 stars; one submission).

Submission:

Labcorp Genetics (formerly Invitae), Labcorp
Classification: Uncertain significance. Last evaluated: 2022-11-23. Review status: criteria provided, single submitter. Criteria: Invitae Variant Classification Sherloc (09022015). Collection method: clinical testing. Allele origin: germline.
Comment: This sequence change replaces histidine, which is basic and polar, with leucine, which is neutral and non-polar, at codon 316 of the MARS2 protein (p.His316Leu). This variant is not present in population databases (gnomAD no frequency). This variant has not been reported in the literature in individuals affected with MARS2-related conditions. Advanced modeling of protein sequence and biophysical properties (such as structural, functional, and spatial information, amino acid conservation, physicochemical variation, residue mobility, and thermodynamic stability) performed at Invitae indicates that this missense variant is expected to disrupt MARS2 protein function. In summary, the available evidence is currently insufficient to determine the role of this variant in disease. Therefore, it has been classified as a Variant of Uncertain Significance.